The following is an entry in ClinVar:

ClinVar aggregate classification (germline): Uncertain significance (1 of 4 stars; one submission).

Conditions:
Ehlers-Danlos syndrome, type 4 (EDSVASC). Also called: Ehlers-Danlos syndrome vascular type; Ehlers Danlos syndrome, ecchymotic type; Ehlers Danlos syndrome, arterial type; Ehlers Danlos syndrome, Sack-Barabas type; Ehlers-Danlos Syndrome Type IV. Identifiers: Orphanet 286, MedGen C0268338, MONDO:0017314, OMIM 130050.

Submission:

Labcorp Genetics (formerly Invitae), Labcorp
Classification: Uncertain significance for Ehlers-Danlos syndrome, type 4. Last evaluated: 2025-08-18. Review status: criteria provided, single submitter. Criteria: Invitae Variant Classification Sherloc (09022015). Collection method: clinical testing. Allele origin: germline.
Comment: This sequence change replaces glutamine, which is neutral and polar, with glutamic acid, which is acidic and polar, at codon 374 of the COL3A1 protein (p.Gln374Glu). This variant is not present in population databases (gnomAD no frequency). This variant has not been reported in the literature in individuals affected with COL3A1-related conditions. Invitae Evidence Modeling of protein sequence and biophysical properties (such as structural, functional, and spatial information, amino acid conservation, physicochemical variation, residue mobility, and thermodynamic stability) indicates that this missense variant is not expected to disrupt COL3A1 protein function with a negative predictive value of 95%. In summary, the available evidence is currently insufficient to determine the role of this variant in disease. Therefore, it has been classified as a Variant of Uncertain Significance.

NM_000090.4(COL3A1):c.1120C>G (p.Gln374Glu)

Gene: COL3A1 (collagen type III alpha 1 chain; plus strand). Cytogenetic location: 2q32.2.
Variant type: single nucleotide variant.
Coding change: c.1120C>G on transcript NM_000090.4 (MANE Select); coding-DNA position 1120, C replaced by G.
Protein change: p.Gln374Glu; replaces glutamine 374 with glutamic acid.
Molecular consequence: missense variant.
Genome position (GRCh38, 1-based): chr2:188,993,430, C>G. VCF-style: chr2-188993430-C-G. GRCh37 (hg19) VCF-style: chr2-189858156-C-G.
Other names: short protein forms Q374E.
Identifiers: ClinVar variation 4764445 (VCV004764445.1).